The following is an entry in ClinVar:

NM_004333.6(BRAF):c.257C>T (p.Thr86Ile)

Gene: BRAF (B-Raf proto-oncogene, serine/threonine kinase; minus strand). Cytogenetic location: 7q34.
Variant type: single nucleotide variant.
Coding change: c.257C>T on transcript NM_004333.6 (MANE Select); coding-DNA position 257, C replaced by T.
Protein change: p.Thr86Ile; replaces threonine 86 with isoleucine.
Molecular consequence: missense variant. On other transcripts: intron variant (1).
Genome position (GRCh38, 1-based): chr7:140,834,856, G>A on the plus strand (C>T on the coding strand, the complement: BRAF is on the minus strand). VCF-style: chr7-140834856-G-A. GRCh37 (hg19) VCF-style: chr7-140534656-G-A.
Other names: c.240+15255C>T (NM_001378475.1); c.257C>T, p.Thr86Ile (NM_001354609.2, NM_001374244.1, NM_001374258.1 and 5 more transcripts); c.155C>T, p.Thr52Ile (NM_001378470.1); c.101C>T, p.Thr34Ile (NM_001378472.1, NM_001378473.1); short protein forms T34I, T52I, T86I.
Identifiers: ClinVar variation 5018716 (VCV005018716.2).

ClinVar aggregate classification (germline): Uncertain significance (1 of 4 stars; one submission).

Conditions:
Melanoma, cutaneous malignant, susceptibility to, 1 (CMM1). Also called: B-K MOLE SYNDROME; MELANOMA, MALIGNANT; DYSPLASTIC NEVUS SYNDROME, HEREDITARY; FAMILIAL ATYPICAL MOLE-MALIGNANT MELANOMA SYNDROME. Identifiers: Orphanet 618, MedGen C1835047, MONDO:0007963, OMIM 155600.
Cardiofaciocutaneous syndrome 1 (CFC1). Also called: BRAF-Related Cardiofaciocutaneous Syndrome. Identifiers: Orphanet 1340, MedGen CN029449, MONDO:0007265, OMIM 115150. Disease mechanism: gain of function.
LEOPARD syndrome 3 (LPRD3). Identifiers: Orphanet 500, MedGen C3150971, MONDO:0013380, OMIM 613707.
Noonan syndrome 7 (NS7). Also called: BRAF-Related Noonan Syndrome. Identifiers: Orphanet 648, MedGen C3150970, MONDO:0013379, OMIM 613706.
Lung cancer. Also called: Malignant tumor of lung; Lung cancer, somatic. Identifiers: MedGen C0242379, MONDO:0008903, OMIM 211980.
Colorectal cancer. Also called: Malignant Colorectal Neoplasm; Colorectal cancer, somatic. Identifiers: MedGen C0346629, MONDO:0005575, OMIM 114500.

Submission:

Juno Genomics, Hangzhou Juno Genomics, Inc
Classification: Uncertain significance for Melanoma, cutaneous malignant, susceptibility to, 1; Colorectal cancer; Lung cancer; Cardiofaciocutaneous syndrome 1; LEOPARD syndrome 3; Noonan syndrome 7. Review status: criteria provided, single submitter. Criteria: ACMG Guidelines, 2015. Collection method: clinical testing. Allele origin: germline.
Comment: Absent from controls (or at extremely low frequency if recessive) in Genome Aggregation Database.;Missense variant in a gene that has a low rate of benign missense variation.